The following is an entry in ClinVar:

ClinVar aggregate classification (germline): Uncertain significance (1 of 4 stars; one submission).

Conditions:
Hereditary cancer-predisposing syndrome. Also called: Tumor predisposition; Neoplastic Syndromes, Hereditary; Hereditary neoplastic syndrome; Hereditary Cancer Syndrome. Identifiers: Orphanet 140162, MedGen C0027672, MeSH D009386, MONDO:0015356.

gnomAD v4.1: 6 of 1,614,026 alleles (0.00037%); highest among the groups gnomAD compares: East Asian, 0.013%; no homozygotes.

Submission:

Ambry Genetics
Classification: Uncertain significance for Hereditary cancer-predisposing syndrome. Last evaluated: 2025-08-20. Review status: criteria provided, single submitter. Criteria: Ambry Variant Classification Scheme 2023. Collection method: clinical testing. Allele origin: germline.
Comment: The p.T200A variant (also known as c.598A>G), located in coding exon 1 of the MET gene, results from an A to G substitution at nucleotide position 598. The threonine at codon 200 is replaced by alanine, an amino acid with similar properties. This amino acid position is conserved. In addition, the in silico prediction for this alteration is inconclusive. Based on the available evidence, the clinical significance of this variant remains unclear.

NM_000245.4(MET):c.598A>G (p.Thr200Ala)

Gene: MET (MET proto-oncogene, receptor tyrosine kinase; plus strand). Cytogenetic location: 7q31.2.
Variant type: single nucleotide variant.
Coding change: c.598A>G on transcript NM_000245.4 (MANE Select); coding-DNA position 598, A replaced by G.
Protein change: p.Thr200Ala; replaces threonine 200 with alanine.
Molecular consequence: missense variant. On other transcripts: intron variant (1).
Genome position (GRCh38, 1-based): chr7:116,699,682, A>G. VCF-style: chr7-116699682-A-G. GRCh37 (hg19) VCF-style: chr7-116339736-A-G.
Other names: c.-91+27105A>G (NM_001324402.2); c.598A>G, p.Thr200Ala (NM_001127500.3, NM_001324401.3); short protein forms T200A.
Identifiers: ClinVar variation 4106718 (VCV004106718.1).